The following is an entry in ClinVar:

NM_000077.5(CDKN2A):c.60G>C (p.Ala20=)

Gene: CDKN2A (cyclin dependent kinase inhibitor 2A; minus strand). Cytogenetic location: 9p21.3.
Variant type: single nucleotide variant.
Coding change: c.60G>C on transcript NM_000077.5; coding-DNA position 60, G replaced by C.
Protein change: p.Ala20=; no amino-acid change (alanine 20 retained).
Molecular consequence: synonymous variant (on NM_000077.6). On other transcripts: intron variant (2).
Genome position (GRCh38, 1-based): chr9:21,974,768, C>G on the plus strand (G>C on the coding strand, the complement: CDKN2A is on the minus strand). VCF-style: chr9-21974768-C-G. GRCh37 (hg19) VCF-style: chr9-21974767-C-G.
Other names: c.60G>C, p.Ala20= (NM_000077.6, NM_001195132.2, NM_058197.5); c.-3-3560G>C (NM_001363763.2); c.194-3560G>C (NM_058195.4).
Identifiers: ClinVar variation 921562 (VCV000921562.4), dbSNP rs1819956695, ClinGen allele CA464100182.

ClinVar aggregate classification (germline): Benign/Likely benign. Review status: criteria provided, multiple submitters, no conflicts (2 of 4 stars). 3 submissions from 3 submitters: Benign (1); Likely benign (2). Last evaluated 2025-08-13.

Conditions:
Hereditary cancer-predisposing syndrome. Also called: Tumor predisposition; Neoplastic Syndromes, Hereditary; Hereditary neoplastic syndrome; Hereditary Cancer Syndrome. Identifiers: Orphanet 140162, MedGen C0027672, MeSH D009386, MONDO:0015356.
Melanoma-pancreatic cancer syndrome. Identifiers: Orphanet 404560, MedGen C1838547, MONDO:0011713, OMIM 606719. Disease mechanism: loss of function.

Submissions (3):

Myriad Genetics, Inc.
Classification: Benign for Melanoma-pancreatic cancer syndrome. Last evaluated: 2025-08-13. Review status: criteria provided, single submitter. Criteria: Myriad Autosomal Dominant, Autosomal Recessive and X-Linked Classification Criteria (2023). Collection method: clinical testing. Allele origin: unknown.
Comment: This variant is considered benign. This variant is a silent/synonymous amino acid change and it is not expected to impact splicing.

Ambry Genetics
Classification: Likely benign for Hereditary cancer-predisposing syndrome. Last evaluated: 2024-03-12. Review status: criteria provided, single submitter. Criteria: Ambry Variant Classification Scheme 2023. Collection method: clinical testing. Allele origin: germline.

Color Diagnostics, LLC DBA Color Health
Classification: Likely benign for Hereditary cancer-predisposing syndrome. Last evaluated: 2020-04-27. Review status: criteria provided, single submitter. Criteria: ACMG Guidelines, 2015. Collection method: clinical testing. Allele origin: germline.